The following is an entry in ClinVar:

ClinVar aggregate classification (germline): Conflicting classifications of pathogenicity. Review status: criteria provided, conflicting classifications (1 of 4 stars). 4 submissions from 4 submitters: Uncertain significance (1); Likely benign (3). Last evaluated 2025-07-06.

Conditions:
Neurofibromatosis, type 2 (SWNV). Also called: NF2-Related Schwannomatosis; SCHWANNOMATOSIS, VESTIBULAR; BILATERAL ACOUSTIC NEUROFIBROMATOSIS. Identifiers: Orphanet 637, MedGen C0027832, MONDO:0007039, OMIM 101000. Disease mechanism: loss of function.
Hereditary cancer-predisposing syndrome. Also called: Neoplastic Syndromes, Hereditary; Hereditary Cancer Syndrome; Tumor predisposition; Hereditary neoplastic syndrome. Identifiers: Orphanet 140162, MedGen C0027672, MeSH D009386, MONDO:0015356.

Allele frequency attached by ClinVar (database versions not stated): gnomAD exomes below 0.00001; TOPMed 0.00001; gnomAD 0.00002; ESP Exome Variant Server 0.00008.
gnomAD v4.1: 4 of 1,613,622 alleles (0.00025%); highest among the groups gnomAD compares: Non-Finnish European, 0.00034%; no homozygotes.

Submissions (4):

Labcorp Genetics (formerly Invitae), Labcorp
Classification: Likely benign for Neurofibromatosis, type 2. Last evaluated: 2025-07-06. Review status: criteria provided, single submitter. Criteria: Invitae Variant Classification Sherloc (09022015). Collection method: clinical testing. Allele origin: germline.

CeGaT Center for Human Genetics Tuebingen
Classification: Likely benign. Last evaluated: 2024-03-01. Review status: criteria provided, single submitter. Criteria: CeGaT Center For Human Genetics Tuebingen Variant Classification Criteria Version 2. Collection method: clinical testing. Allele origin: germline. Affected: yes. Observed: 1 variant allele.
Comment: NF2: BP4, BP7

All of Us Research Program, National Institutes of Health
Classification: Uncertain significance for Neurofibromatosis, type 2. Last evaluated: 2023-06-26. Review status: criteria provided, single submitter. Criteria: ACMG Guidelines, 2015. Collection method: clinical testing. Allele origin: germline. Inheritance: Autosomal dominant inheritance. Observed: 3 variant alleles, 3 heterozygotes.
Comment: This variant is located in the NF2 protein. To our knowledge, functional studies have not been reported for this variant. This variant has not been reported in individuals affected with NF2-related disorders in the literature. This variant has been identified in 1/251180 chromosomes in the general population by the Genome Aggregation Database (gnomAD). The available evidence is insufficient to determine the role of this variant in disease conclusively. Therefore, this variant is classified as a Variant of Uncertain Significance.

This study involves interpretation of variants in research participants for the purpose of population health screening. Participant phenotype was not available at the time of variant classification. Additional details can be found in publication PMID: 35346344, PMCID: PMC8962531

Ambry Genetics
Classification: Likely benign for Hereditary cancer-predisposing syndrome. Last evaluated: 2019-08-21. Review status: criteria provided, single submitter. Criteria: Ambry Variant Classification Scheme 2023. Collection method: clinical testing. Allele origin: germline.

NM_000268.4(NF2):c.861C>T (p.Ser287=)

Gene: NF2 (NF2, moesin-ezrin-radixin like (MERLIN) tumor suppressor; plus strand). Cytogenetic location: 22q12.2.
Variant type: single nucleotide variant.
Coding change: c.861C>T on transcript NM_000268.4 (MANE Select); coding-DNA position 861, C replaced by T.
Protein change: p.Ser287=; no amino-acid change (serine 287 retained).
Molecular consequence: synonymous variant. On other transcripts: non-coding transcript variant (1), intron variant (1).
Genome position (GRCh38, 1-based): chr22:29,665,040, C>T. VCF-style: chr22-29665040-C-T. GRCh37 (hg19) VCF-style: chr22-30061029-C-T.
Other names: c.861C>T, p.Ser287= (NM_016418.5, NM_181825.3, NM_181832.3); c.735C>T, p.Ser245= (NM_181828.3); c.738C>T, p.Ser246= (NM_181829.3); c.612C>T, p.Ser204= (NM_181830.3, NM_181831.3); c.447+22755C>T (NM_181833.3).
Identifiers: ClinVar variation 527717 (VCV000527717.42), dbSNP rs143160499, ClinGen allele CA323113076.
Genomic context (GRCh38, chr22:29,665,040, plus strand): 5'-ATTCTTCCAGTTTACTATTAAACCACTGGATAAGAAAATTGATGTCTTCAAGTTTAACTC[C>T]TCAAAGCTTCGTGTTAATAAGCTGGTAAGTTGAGATCCTGGTTTTCATTACTGATAATGG-3'
Protein context (NP_000259.1, residues 277-297): DKKIDVFKFN[Ser287=]SKLRVNKLIL